The following is an entry in ClinVar:

ClinVar aggregate classification (germline): Pathogenic/Likely pathogenic. Review status: criteria provided, multiple submitters, no conflicts (2 of 4 stars). 2 submissions from 2 submitters: Pathogenic (1); Likely pathogenic (1). Last evaluated 2022-07-29.

Conditions:
Ataxia-telangiectasia syndrome (AT). Also called: Ataxia telangiectasia (A-T); Cerebello-oculocutaneous telangiectasia; Immunodeficiency with ataxia telangiectasia; LOUIS-BAR SYNDROME; AT, COMPLEMENTATION GROUP C; ATAXIA-TELANGIECTASIA, FRESNO VARIANT. Identifiers: Orphanet 100, MedGen C0004135, MONDO:0008840, OMIM 208900.

Submissions (2):

Labcorp Genetics (formerly Invitae), Labcorp
Classification: Pathogenic for Ataxia-telangiectasia syndrome. Last evaluated: 2022-07-29. Review status: criteria provided, single submitter. Criteria: Invitae Variant Classification Sherloc (09022015). Collection method: clinical testing. Allele origin: germline.
Comment: This sequence change creates a premature translational stop signal (p.Ser2289*) in the ATM gene. It is expected to result in an absent or disrupted protein product. Loss-of-function variants in ATM are known to be pathogenic (PMID: 23807571, 25614872). This variant is not present in population databases (gnomAD no frequency). This variant has not been reported in the literature in individuals affected with ATM-related conditions. ClinVar contains an entry for this variant (Variation ID: 265653). For these reasons, this variant has been classified as Pathogenic.

GeneDx
Classification: Likely pathogenic. Last evaluated: 2016-08-03. Review status: criteria provided, single submitter. Criteria: GeneDx Variant Classification (06012015). Collection method: clinical testing. Allele origin: germline. Affected: yes.
Comment: This variant is denoted ATM c.6866_6867delCT at the cDNA level and p.Ser2289Ter (S2289X) at theprotein level. The substitution creates a nonsense variant, which changes a Serine to a premature stop codon(TCT>TGA), and is predicted to cause loss of normal protein function through either protein truncation or nonsense-mediated mRNA decay. Although this variant has not, to our knowledge, been reported in the literature, it is consideredlikely pathogenic.

Literature cited by the submitters: PubMed 23807571 (cited by Labcorp Genetics (formerly Invitae), Labcorp); PubMed 25614872 (cited by Labcorp Genetics (formerly Invitae), Labcorp).

NM_000051.4(ATM):c.6866_6867del (p.Val2288_Ser2289insTer)

Genes: ATM (ATM serine/threonine kinase; plus strand), C11orf65 (chromosome 11 open reading frame 65; minus strand). Cytogenetic location: 11q22.3.
Variant type: Microsatellite.
Coding change: c.6866_6867del on transcript NM_000051.4 (MANE Select); coding-DNA positions 6866 to 6867, 2 bases deleted (CT; older notation c.6866_6867delCT).
Protein change: p.Val2288_Ser2289insTer.
Molecular consequence: nonsense. On other transcripts: frameshift variant (1), intron variant (2).
Genome position (GRCh38, 1-based): chr11:108,326,116-108,326,117, CT deleted; deleting any 2 consecutive bases within chr11:108,326,113-108,326,117 gives the same sequence; the c. name uses the placement nearest the transcript's 3' end. VCF-style (leftmost placement, unchanged base first): chr11-108326112-GTC-G. GRCh37 (hg19) VCF-style: chr11-108196839-GTC-G.
Other names: c.6866_6867delCT (NM_000051.3); c.6866_6867del, p.Val2288_Ser2289insTer (NM_001351834.2); c.641-17043_641-17042del (NM_001330368.2); c.*38+9106_*38+9107del (NM_001351110.2).
Identifiers: ClinVar variation 265653 (VCV000265653.9), dbSNP rs886039701, ClinGen allele CA10588507.